The following is an entry in ClinVar:

NM_003500.4(ACOX2):c.953G>A (p.Arg318His)

Gene: ACOX2 (acyl-CoA oxidase 2; minus strand). Cytogenetic location: 3p14.3.
Variant type: single nucleotide variant.
Coding change: c.953G>A on transcript NM_003500.4 (MANE Select); coding-DNA position 953, G replaced by A.
Protein change: p.Arg318His; replaces arginine 318 with histidine.
Molecular consequence: missense variant.
Genome position (GRCh38, 1-based): chr3:58,530,505, C>T on the plus strand (G>A on the coding strand, the complement: ACOX2 is on the minus strand). VCF-style: chr3-58530505-C-T. GRCh37 (hg19) VCF-style: chr3-58516232-C-T.
Other names: c.953G>A (NM_003500.3); short protein forms R318H.
Identifiers: ClinVar variation 1517030 (VCV001517030.11), dbSNP rs147316315, ClinGen allele CA2472222.

ClinVar aggregate classification (germline): Uncertain significance. Review status: criteria provided, multiple submitters, no conflicts (2 of 4 stars). 3 submissions from 3 submitters: Uncertain significance (3). Last evaluated 2026-08-24.

Conditions:
ACOX2-related disorder. Also called: ACOX2-related condition.

gnomAD v4.1: 42 of 1,614,116 alleles (0.0026%); highest among the groups gnomAD compares: Admixed American, 0.018%; no homozygotes.

Submissions (3):

PreventionGenetics, part of Exact Sciences
Classification: Uncertain significance for ACOX2-related condition. Last evaluated: 2026-08-24. Review status: criteria provided, single submitter. Criteria: ACMG Guidelines, 2015. Collection method: clinical testing. Allele origin: germline.
Comment: The ACOX2 c.953G>A variant is predicted to result in the amino acid substitution p.Arg318His. To our knowledge, this variant has not been reported in the literature. This variant is reported in 0.010% of alleles in individuals of East Asian descent in gnomAD. At this time, the clinical significance of this variant is uncertain due to the absence of conclusive functional and genetic evidence.

Labcorp Genetics (formerly Invitae), Labcorp
Classification: Uncertain significance. Last evaluated: 2025-10-01. Review status: criteria provided, single submitter. Criteria: Invitae Variant Classification Sherloc (09022015). Collection method: clinical testing. Allele origin: germline.
Comment: This sequence change replaces arginine, which is basic and polar, with histidine, which is basic and polar, at codon 318 of the ACOX2 protein (p.Arg318His). This variant is present in population databases (rs147316315, gnomAD 0.01%). This variant has not been reported in the literature in individuals affected with ACOX2-related conditions. ClinVar contains an entry for this variant (Variation ID: 1517030). Invitae Evidence Modeling of protein sequence and biophysical properties (such as structural, functional, and spatial information, amino acid conservation, physicochemical variation, residue mobility, and thermodynamic stability) indicates that this missense variant is expected to disrupt ACOX2 protein function with a positive predictive value of 80%. In summary, the available evidence is currently insufficient to determine the role of this variant in disease. Therefore, it has been classified as a Variant of Uncertain Significance.

Ambry Genetics
Classification: Uncertain significance. Last evaluated: 2025-06-19. Review status: criteria provided, single submitter. Criteria: Ambry Variant Classification Scheme 2023. Collection method: clinical testing. Allele origin: germline.